The following is an entry in ClinVar:

ClinVar aggregate classification (germline): Uncertain significance (1 of 4 stars; one submission).

Conditions:
Mendelian susceptibility to mycobacterial diseases due to complete IL12RB1 deficiency. Also called: IL12RB1 DEFICIENCY; Immunodeficiency 30. Identifiers: Orphanet 319552, MedGen C4013949, MONDO:0013955, OMIM 614891.

gnomAD v4.1: 1 of 1,613,498 alleles (0.000062%); highest among the groups gnomAD compares: South Asian, 0.0011%; no homozygotes.

Submission:

Neuberg Centre For Genomic Medicine, NCGM
Classification: Uncertain significance for Mendelian susceptibility to mycobacterial diseases due to complete IL12RB1 deficiency. Review status: criteria provided, single submitter. Criteria: ACMG Guidelines, 2015. Collection method: clinical testing. Allele origin: germline. Inheritance: Autosomal recessive inheritance. Affected: yes.
Comment: The observed missense c.1103G>C p.Cys368Ser variant in IL12RB1 gene has not been reported previously as a pathogenic variant nor as a benign variant, to our knowledge. The p.Cys368Ser variant is absent in gnomAD Exomes. This variant has not been submitted to the ClinVar database. Multiple lines of computational evidence Polyphen - Probably Damaging, SIFT - Damaging and MutationTaster - Disease causing predict a damaging effect on protein structure and function for this variant. The reference amino acid of p.Cys368Ser in IL12RB1 is predicted as conserved by GERP++ and PhyloP across 100 vertebrates. The amino acid Cys at position 368 is changed to a Ser changing protein sequence and it might alter its composition and physico-chemical properties. For these reasons, this variant has been classified as a Variant of Uncertain Significance VUS.

NM_005535.3(IL12RB1):c.1103G>C (p.Cys368Ser)

Gene: IL12RB1 (interleukin 12 receptor subunit beta 1; minus strand). Cytogenetic location: 19p13.11.
Variant type: single nucleotide variant.
Coding change: c.1103G>C on transcript NM_005535.3 (MANE Select); coding-DNA position 1103, G replaced by C.
Protein change: p.Cys368Ser; replaces cysteine 368 with serine.
Molecular consequence: missense variant.
Genome position (GRCh38, 1-based): chr19:18,069,632, C>G on the plus strand (G>C on the coding strand, the complement: IL12RB1 is on the minus strand). VCF-style: chr19-18069632-C-G. GRCh37 (hg19) VCF-style: chr19-18180442-C-G.
Other names: c.1103G>C, p.Cys368Ser (NM_001290023.2); c.1223G>C, p.Cys408Ser (NM_001290024.2); short protein forms C368S, C408S.
Identifiers: ClinVar variation 3391269 (VCV003391269.1).
Genomic context (GRCh38, chr19:18,069,632, plus strand): 5'-GGCGCAGTCAGGCTGCAGGTGGCAAGGCCCCCGTCCTGGCCCACAGGCTGCCATTCAATG[C>G]AATACGTCATGCTCTGAGCCCGGGCTGGCCAATACATGGTGGTCCCGTTGGTTCCGACGC-3'
Protein context (NP_005526.1, residues 358-378): WPARAQSMTY[Cys368Ser]IEWQPVGQDG